The following is an entry in ClinVar:

ClinVar aggregate classification (germline): Uncertain significance (1 of 4 stars; one submission).

Conditions:
Hereditary cancer-predisposing syndrome. Also called: Neoplastic Syndromes, Hereditary; Tumor predisposition; Hereditary neoplastic syndrome; Hereditary Cancer Syndrome. Identifiers: Orphanet 140162, MedGen C0027672, MeSH D009386, MONDO:0015356.

gnomAD v4.1: 6 of 1,611,402 alleles (0.00037%); highest among the groups gnomAD compares: Non-Finnish European, 0.00051%; no homozygotes.

Submission:

Ambry Genetics
Classification: Uncertain significance for Hereditary cancer-predisposing syndrome. Last evaluated: 2026-07-10. Review status: criteria provided, single submitter. Criteria: Ambry Variant Classification Scheme 2023. Collection method: clinical testing. Allele origin: germline.
Comment: The p.R1329G variant (also known as c.3985C>G), located in coding exon 32 of the TSC2 gene, results from a C to G substitution at nucleotide position 3985. The arginine at codon 1329 is replaced by glycine, an amino acid with dissimilar properties. This amino acid position is not well conserved in available vertebrate species. In addition, the in silico prediction for this alteration is inconclusive. Based on the available evidence, the clinical significance of this variant remains unclear.

NM_000548.5(TSC2):c.3985C>G (p.Arg1329Gly)

Gene: TSC2 (TSC complex subunit 2; plus strand). Cytogenetic location: 16p13.3.
Variant type: single nucleotide variant.
Coding change: c.3985C>G on transcript NM_000548.5 (MANE Select); coding-DNA position 3985, C replaced by G.
Protein change: p.Arg1329Gly; replaces arginine 1329 with glycine.
Molecular consequence: missense variant. On other transcripts: non-coding transcript variant (5).
Genome position (GRCh38, 1-based): chr16:2,083,796, C>G. VCF-style: chr16-2083796-C-G. GRCh37 (hg19) VCF-style: chr16-2133797-C-G.
Other names: c.3784C>G, p.Arg1262Gly (NM_001077183.3); c.3916C>G, p.Arg1306Gly (NM_001114382.3); c.3676C>G, p.Arg1226Gly (NM_001318827.2); c.3640C>G, p.Arg1214Gly (NM_001318829.2); c.3253C>G, p.Arg1085Gly (NM_001318831.2); c.3817C>G, p.Arg1273Gly (NM_001318832.2); c.3787C>G, p.Arg1263Gly (NM_001363528.2); c.3853C>G, p.Arg1285Gly (NM_001370404.1); and 26 more; short protein forms R1085G, R1105G, R1109G, R1213G, R1214G, R1225G, R1226G, R1256G.
Identifiers: ClinVar variation 5031293 (VCV005031293.1).
Genomic context (GRCh38, chr16:2,083,796, plus strand): 5'-CCTGTGCTGGTGGAGCCCCCAGGGTTGGAGGACGTTGAGGCAGCGCTAGGCATGGACAGG[C>G]GCACGGATGCCTACAGCAGGGTGAGTGTGGCTCAGAGCCTGGACCCTGCTGACCTCGGGG-3'
Protein context (NP_000539.2, residues 1319-1339): DVEAALGMDR[Arg1329Gly]TDAYSRSSSV